The following is an entry in ClinVar:

NM_005419.4(STAT2):c.2004C>G (p.Ile668Met)

Gene: STAT2 (signal transducer and activator of transcription 2; minus strand). Cytogenetic location: 12q13.3.
Variant type: single nucleotide variant.
Coding change: c.2004C>G on transcript NM_005419.4 (MANE Select); coding-DNA position 2004, C replaced by G.
Protein change: p.Ile668Met; replaces isoleucine 668 with methionine.
Molecular consequence: missense variant.
Genome position (GRCh38, 1-based): chr12:56,346,482, G>C on the plus strand (C>G on the coding strand, the complement: STAT2 is on the minus strand). VCF-style: chr12-56346482-G-C. GRCh37 (hg19) VCF-style: chr12-56740266-G-C.
Other names: c.1992C>G, p.Ile664Met (NM_198332.2); c.2004C>G, p.Ile668Met (LRG_1329t1); short protein forms I668M, I664M.
Identifiers: ClinVar variation 542346 (VCV000542346.9), dbSNP rs199528062, ClinGen allele CA6630346.

ClinVar aggregate classification (germline): Uncertain significance. Review status: criteria provided, multiple submitters, no conflicts (2 of 4 stars). 2 submissions from 2 submitters: Uncertain significance (2). Last evaluated 2024-09-19.

Conditions:
Primary immunodeficiency with post-measles-mumps-rubella vaccine viral infection. Also called: Immunodeficiency 44. Identifiers: Orphanet 431166, MedGen C4225260, MONDO:0014715, OMIM 616636.

Allele frequency attached by ClinVar (database versions not stated): TOPMed 0.00005; gnomAD 0.00006 and 0.00007; ExAC 0.00007; gnomAD exomes 0.00007.
gnomAD v4.1: 132 of 1,614,220 alleles (0.0082%); highest among the groups gnomAD compares: East Asian, 0.036%; no homozygotes.

Submissions (2):

Blueprint Genetics
Classification: Uncertain significance. Last evaluated: 2024-09-19. Review status: criteria provided, single submitter. Criteria: ACMG Guidelines, 2015. Collection method: clinical testing. Allele origin: germline.

Labcorp Genetics (formerly Invitae), Labcorp
Classification: Uncertain significance for Primary immunodeficiency with post-measles-mumps-rubella vaccine viral infection. Last evaluated: 2022-07-05. Review status: criteria provided, single submitter. Criteria: Invitae Variant Classification Sherloc (09022015). Collection method: clinical testing. Allele origin: germline.
Comment: This sequence change replaces isoleucine, which is neutral and non-polar, with methionine, which is neutral and non-polar, at codon 668 of the STAT2 protein (p.Ile668Met). This variant is present in population databases (rs199528062, gnomAD 0.07%). This variant has not been reported in the literature in individuals affected with STAT2-related conditions. ClinVar contains an entry for this variant (Variation ID: 542346). Advanced modeling of protein sequence and biophysical properties (such as structural, functional, and spatial information, amino acid conservation, physicochemical variation, residue mobility, and thermodynamic stability) performed at Invitae indicates that this missense variant is expected to disrupt STAT2 protein function. In summary, the available evidence is currently insufficient to determine the role of this variant in disease. Therefore, it has been classified as a Variant of Uncertain Significance.